The following is an entry in ClinVar:

NM_020779.4(WDR35):c.3467T>G (p.Ile1156Arg)

Gene: WDR35 (WD repeat domain 35; minus strand). Cytogenetic location: 2p24.1.
Variant type: single nucleotide variant.
Coding change: c.3467T>G on transcript NM_020779.4 (MANE Select); coding-DNA position 3467, T replaced by G.
Protein change: p.Ile1156Arg; replaces isoleucine 1156 with arginine.
Molecular consequence: missense variant.
Genome position (GRCh38, 1-based): chr2:19,913,604, A>C on the plus strand (T>G on the coding strand, the complement: WDR35 is on the minus strand). VCF-style: chr2-19913604-A-C. GRCh37 (hg19) VCF-style: chr2-20113365-A-C.
Other names: c.3500T>G, p.Ile1167Arg (NM_001006657.2); short protein forms I1167R, I1156R.
Identifiers: ClinVar variation 288788 (VCV000288788.19), dbSNP rs147325795, ClinGen allele CA1542655.

ClinVar aggregate classification (germline): Conflicting classifications of pathogenicity. Review status: criteria provided, conflicting classifications (1 of 4 stars). 4 submissions from 4 submitters: Uncertain significance (2); Likely benign (1). 1 of the submissions does not count toward it. Last evaluated 2026-06-02.

Conditions:
WDR35-related disorder. Also called: WDR35-related disorders; WDR35-related condition. Identifiers: MedGen CN239419.
Short-rib thoracic dysplasia 7 with or without polydactyly (SRTD7). Also called: Short rib polydactyly syndrome 5; SHORT-RIB THORACIC DYSPLASIA 7 WITH POLYDACTYLY. Identifiers: Orphanet 498497, Orphanet 93271, MedGen C3279792, MONDO:0013569, OMIM 614091.
Cranioectodermal dysplasia 2 (CED2). Identifiers: Orphanet 1515, MedGen C3150874, MONDO:0013323, OMIM 613610.

Allele frequency attached by ClinVar (database versions not stated): gnomAD exomes 0.00007 and 0.00019; 1000 Genomes Project 30x 0.00016; 1000 Genomes Project 0.00020; ExAC 0.00021; gnomAD 0.00068 and 0.00072; TOPMed 0.00072; ESP Exome Variant Server 0.00092.
gnomAD v4.1: 222 of 1,614,124 alleles (0.014%); highest among the groups gnomAD compares: African/African-American, 0.22%; no homozygotes.

Submissions (4):

GeneDx
Classification: Uncertain significance. Last evaluated: 2026-06-02. Review status: criteria provided, single submitter. Criteria: GeneDx Variant Classification Process June 2021. Collection method: clinical testing. Allele origin: germline.
Comment: In silico analysis supports that this missense variant has a deleterious effect on protein structure/function; Has not been previously published as pathogenic or benign to our knowledge

Labcorp Genetics (formerly Invitae), Labcorp
Classification: Likely benign for Cranioectodermal dysplasia 2; Short-rib thoracic dysplasia 7 with or without polydactyly. Last evaluated: 2025-11-13. Review status: criteria provided, single submitter. Criteria: Invitae Variant Classification Sherloc (09022015). Collection method: clinical testing. Allele origin: germline.

Eurofins Ntd Llc (ga)
Classification: Uncertain significance. Last evaluated: 2016-06-22. Review status: criteria provided, single submitter. Criteria: EGL Classification Definitions 2015. Collection method: clinical testing. Allele origin: germline. Observed: 1 variant allele, 1 heterozygote.

PreventionGenetics, part of Exact Sciences
Classification: Likely benign for WDR35-related condition. Last evaluated: 2022-09-19. Review status: no assertion criteria provided. Collection method: clinical testing. Allele origin: germline. Not counted in ClinVar's aggregate classification.
Comment: This variant is classified as likely benign based on ACMG/AMP sequence variant interpretation guidelines (Richards et al. 2015 PMID: 25741868, with internal and published modifications).